The following is an entry in ClinVar:

NM_030928.4(CDT1):c.1276-7G>T

Gene: CDT1 (chromatin licensing and DNA replication factor 1; plus strand). Cytogenetic location: 16q24.3.
Variant type: single nucleotide variant.
Coding change: c.1276-7G>T on transcript NM_030928.4 (MANE Select); 7 bases into the intron before coding-DNA position 1276, G replaced by T.
Molecular consequence: intron variant.
Genome position (GRCh38, 1-based): chr16:88,807,274, G>T. VCF-style: chr16-88807274-G-T. GRCh37 (hg19) VCF-style: chr16-88873682-G-T.
Identifiers: ClinVar variation 3042174 (VCV003042174.2), dbSNP rs746440469, ClinGen allele CA8234103.
Genomic context (GRCh38, chr16:88,807,274, plus strand): 5'-CCCAGTGATGGCGGGTGGGCGCCTGGTGACCTGCTGCCCACTAACCAGGTCCCGGTACCT[G>T]CTGCAGATCCGAGCCAAGGAGGCACAGAAGCAGCTGGCACAGATGACGCGGTGCCCGGAG-3'

ClinVar aggregate classification (germline): Likely benign (0 of 4 stars; one submission).

Conditions:
CDT1-related disorder. Also called: CDT1-related condition.

Allele frequency attached by ClinVar (database versions not stated): ExAC 0.00001; TOPMed 0.00001.
gnomAD v4.1: 20 of 1,611,918 alleles (0.0012%); highest among the groups gnomAD compares: Non-Finnish European, 0.0016%; no homozygotes.

Submission:

PreventionGenetics, part of Exact Sciences
Classification: Likely benign for CDT1-related condition. Last evaluated: 2019-05-08. Review status: no assertion criteria provided. Collection method: clinical testing. Allele origin: germline.
Comment: This variant is classified as likely benign based on ACMG/AMP sequence variant interpretation guidelines (Richards et al. 2015 PMID: 25741868, with internal and published modifications).